The following is an entry in ClinVar:

NM_183357.3(ADCY5):c.3524T>C (p.Met1175Thr)

Gene: ADCY5 (adenylate cyclase 5; minus strand). Cytogenetic location: 3q21.1.
Variant type: single nucleotide variant.
Coding change: c.3524T>C on transcript NM_183357.3 (MANE Select); coding-DNA position 3524, T replaced by C.
Protein change: p.Met1175Thr; replaces methionine 1175 with threonine.
Molecular consequence: missense variant.
Genome position (GRCh38, 1-based): chr3:123,289,758, A>G on the plus strand (T>C on the coding strand, the complement: ADCY5 is on the minus strand). VCF-style: chr3-123289758-A-G. GRCh37 (hg19) VCF-style: chr3-123008605-A-G.
Other names: c.2474T>C, p.Met825Thr (NM_001199642.1); c.3599T>C, p.Met1200Thr (NM_001378259.1); short protein forms M1175T, M1200T, M825T.
Identifiers: ClinVar variation 3623364 (VCV003623364.4).

ClinVar aggregate classification (germline): Uncertain significance. Review status: criteria provided, multiple submitters, no conflicts (2 of 4 stars). 2 submissions from 2 submitters: Uncertain significance (2). Last evaluated 2025-09-28.

Submissions (2):

Dasa
Classification: Uncertain significance. Last evaluated: 2025-09-28. Review status: criteria provided, single submitter. Criteria: DASA Assertion Criteria. Collection method: clinical testing. Allele origin: germline.
Comment: NM_183357.3(ADCY5):c.3524T>C (p.Met1175Thr) is a missense variant that results in the substitution of methionine with threonine. This variant is rare in population databases. Computational prediction algorithms are consistent with a deleterious effect. The currently available literature and clinical evidence are not sufficient to establish a definitive association between this variant and the reported condition. Therefore, this variant is classified as a variant of uncertain significance.

Labcorp Genetics (formerly Invitae), Labcorp
Classification: Uncertain significance. Last evaluated: 2024-02-06. Review status: criteria provided, single submitter. Criteria: Invitae Variant Classification Sherloc (09022015). Collection method: clinical testing. Allele origin: germline.
Comment: This sequence change replaces methionine, which is neutral and non-polar, with threonine, which is neutral and polar, at codon 1175 of the ADCY5 protein (p.Met1175Thr). This variant is present in population databases (no rsID available, gnomAD 0.003%). This variant has not been reported in the literature in individuals affected with ADCY5-related conditions. Advanced modeling of protein sequence and biophysical properties (such as structural, functional, and spatial information, amino acid conservation, physicochemical variation, residue mobility, and thermodynamic stability) performed at Invitae indicates that this missense variant is expected to disrupt ADCY5 protein function with a positive predictive value of 80%. In summary, the available evidence is currently insufficient to determine the role of this variant in disease. Therefore, it has been classified as a Variant of Uncertain Significance.